The following is an entry in ClinVar:

ClinVar aggregate classification (germline): Uncertain significance (1 of 4 stars; one submission).

Submission:

Labcorp Genetics (formerly Invitae), Labcorp
Classification: Uncertain significance. Last evaluated: 2021-12-02. Review status: criteria provided, single submitter. Criteria: Invitae Variant Classification Sherloc (09022015). Collection method: clinical testing. Allele origin: germline.
Comment: This variant is not present in population databases (gnomAD no frequency). In summary, the available evidence is currently insufficient to determine the role of this variant in disease. Therefore, it has been classified as a Variant of Uncertain Significance. Algorithms developed to predict the effect of missense changes on protein structure and function (SIFT, PolyPhen-2, Align-GVGD) all suggest that this variant is likely to be disruptive. This variant has not been reported in the literature in individuals affected with ELOVL4-related conditions. This sequence change replaces isoleucine, which is neutral and non-polar, with threonine, which is neutral and polar, at codon 93 of the ELOVL4 protein (p.Ile93Thr).

NM_022726.4(ELOVL4):c.278T>C (p.Ile93Thr)

Gene: ELOVL4 (ELOVL fatty acid elongase 4; minus strand). Cytogenetic location: 6q14.1.
Variant type: single nucleotide variant.
Coding change: c.278T>C on transcript NM_022726.4 (MANE Select); coding-DNA position 278, T replaced by C.
Protein change: p.Ile93Thr; replaces isoleucine 93 with threonine.
Molecular consequence: missense variant.
Genome position (GRCh38, 1-based): chr6:79,926,204, A>G on the plus strand (T>C on the coding strand, the complement: ELOVL4 is on the minus strand). VCF-style: chr6-79926204-A-G. GRCh37 (hg19) VCF-style: chr6-80635921-A-G.
Other names: short protein forms I93T.
Identifiers: ClinVar variation 1450638 (VCV001450638.6), dbSNP rs2127699372, ClinGen allele CA364657253.